The following is an entry in ClinVar:

ClinVar aggregate classification (germline): Likely pathogenic (1 of 4 stars; one submission).

Conditions:
Heart defect - tongue hamartoma - polysyndactyly syndrome. Also called: Congenital heart defects, hamartomas of tongue, and polysyndactyly. Identifiers: Orphanet 1338, MedGen C1857587, MONDO:0009008, OMIM 217085.
Bardet-Biedl syndrome 15 (BBS15). Identifiers: Orphanet 110, MedGen C3150127, MONDO:0014443, OMIM 615992.

Submission:

Juno Genomics, Hangzhou Juno Genomics, Inc
Classification: Likely pathogenic for Bardet-Biedl syndrome 15; Heart defect - tongue hamartoma - polysyndactyly syndrome. Review status: criteria provided, single submitter. Criteria: ACMG Guidelines, 2015. Collection method: clinical testing. Allele origin: germline.
Comment: Absent from controls (or at extremely low frequency if recessive) in Genome Aggregation Database.;Null variant in a gene where loss of function (LOF) is a known mechanism of disease.

NM_015910.7(WDPCP):c.2106del (p.Glu703fs)

Gene: WDPCP (WD repeat containing planar cell polarity effector; minus strand). Cytogenetic location: 2p15.
Variant type: Deletion.
Coding change: c.2106del on transcript NM_015910.7 (MANE Select); coding-DNA position 2106, one base deleted (T; older notation c.2106delT).
Protein change: p.Glu703fs; shifts the reading frame from glutamic acid 703.
Molecular consequence: frameshift variant. On other transcripts: non-coding transcript variant (3).
Genome position (GRCh38, 1-based): chr2:63,153,547, A deleted on the plus strand (T on the coding strand, the reverse complement: WDPCP is on the minus strand); the first of 2 consecutive A bases (chr2:63,153,547-63,153,548); deleting either gives the same sequence. VCF-style (leftmost placement, unchanged base first): chr2-63153546-CA-C. GRCh37 (hg19) VCF-style: chr2-63380681-CA-C.
Other names: c.1629del, p.Glu544fs (NM_001042692.3); c.2034del, p.Glu679fs (NM_001354044.2); short protein forms E544fs, E679fs, E703fs.
Identifiers: ClinVar variation 5019653 (VCV005019653.2).